The following is an entry in ClinVar:

ClinVar aggregate classification (germline): Uncertain significance (1 of 4 stars; one submission).

Conditions:
Spastic paraplegia. Identifiers: MedGen C0037772, HP:0001258.

Allele frequency attached by ClinVar (database versions not stated): gnomAD exomes below 0.00001.
gnomAD v4.1: 2 of 1,613,514 alleles (0.00012%); highest among the groups gnomAD compares: Non-Finnish European, 0.00017%; no homozygotes.

Submission:

Labcorp Genetics (formerly Invitae), Labcorp
Classification: Uncertain significance for Spastic paraplegia. Last evaluated: 2021-02-16. Review status: criteria provided, single submitter. Criteria: Invitae Variant Classification Sherloc (09022015). Collection method: clinical testing. Allele origin: germline.
Comment: This variant is not present in population databases (ExAC no frequency). Advanced modeling of protein sequence and biophysical properties (such as structural, functional, and spatial information, amino acid conservation, physicochemical variation, residue mobility, and thermodynamic stability) performed at Invitae indicates that this missense variant is not expected to disrupt FA2H protein function. This variant has not been reported in the literature in individuals with FA2H-related conditions. This sequence change replaces proline with leucine at codon 211 of the FA2H protein (p.Pro211Leu). The proline residue is moderately conserved and there is a moderate physicochemical difference between proline and leucine. In summary, the available evidence is currently insufficient to determine the role of this variant in disease. Therefore, it has been classified as a Variant of Uncertain Significance.

NM_024306.5(FA2H):c.632C>T (p.Pro211Leu)

Gene: FA2H (fatty acid 2-hydroxylase; minus strand). Cytogenetic location: 16q23.1.
Variant type: single nucleotide variant.
Coding change: c.632C>T on transcript NM_024306.5 (MANE Select); coding-DNA position 632, C replaced by T.
Protein change: p.Pro211Leu; replaces proline 211 with leucine.
Molecular consequence: missense variant.
Genome position (GRCh38, 1-based): chr16:74,719,142, G>A on the plus strand (C>T on the coding strand, the complement: FA2H is on the minus strand). VCF-style: chr16-74719142-G-A. GRCh37 (hg19) VCF-style: chr16-74753040-G-A.
Other names: short protein forms P211L.
Identifiers: ClinVar variation 1372995 (VCV001372995.8), dbSNP rs1344911374, ClinGen allele CA396769694.